The following is an entry in ClinVar:

ClinVar aggregate classification (germline): Conflicting classifications of pathogenicity. Review status: criteria provided, conflicting classifications (1 of 4 stars). 8 submissions from 8 submitters: Uncertain significance (6); Likely benign (2). Last evaluated 2025-09-23.

Conditions:
Classic or attenuated familial adenomatous polyposis. Identifiers: MedGen CN372698, MONDO:0021057.
Hereditary cancer-predisposing syndrome. Also called: Neoplastic Syndromes, Hereditary; Tumor predisposition; Hereditary Cancer Syndrome; Hereditary neoplastic syndrome. Identifiers: Orphanet 140162, MedGen C0027672, MeSH D009386, MONDO:0015356.
Familial adenomatous polyposis 1 (FAP1). Also called: FAMILIAL ADENOMATOUS POLYPOSIS 1, ATTENUATED; POLYPOSIS, ADENOMATOUS INTESTINAL. Identifiers: MedGen C2713442, MONDO:0021056, OMIM 175100. Disease mechanism: loss of function.

Allele frequency attached by ClinVar (database versions not stated): TOPMed below 0.00001; gnomAD 0.00001; gnomAD exomes 0.00001 and 0.00002; ExAC 0.00002.
gnomAD v4.1: 22 of 1,613,894 alleles (0.0014%); highest among the groups gnomAD compares: Non-Finnish European, 0.0019%; no homozygotes.

Submissions (8):

Labcorp Genetics (formerly Invitae), Labcorp
Classification: Uncertain significance for Familial adenomatous polyposis 1. Last evaluated: 2025-09-23. Review status: criteria provided, single submitter. Criteria: Invitae Variant Classification Sherloc (09022015). Collection method: clinical testing. Allele origin: germline.
Comment: This sequence change replaces leucine, which is neutral and non-polar, with proline, which is neutral and non-polar, at codon 2493 of the APC protein (p.Leu2493Pro). This variant is present in population databases (rs769889352, gnomAD 0.004%). This missense change has been observed in individual(s) with colorectal cancer (PMID: 35430768, 37937776). ClinVar contains an entry for this variant (Variation ID: 233218). Invitae Evidence Modeling of protein sequence and biophysical properties (such as structural, functional, and spatial information, amino acid conservation, physicochemical variation, residue mobility, and thermodynamic stability) indicates that this missense variant is not expected to disrupt APC protein function with a negative predictive value of 95%. In summary, the available evidence is currently insufficient to determine the role of this variant in disease. Therefore, it has been classified as a Variant of Uncertain Significance.

Center for Genomic Medicine, Rigshospitalet, Copenhagen University Hospital
Classification: Likely benign. Last evaluated: 2025-03-04. Review status: criteria provided, single submitter. Criteria: ACMG Guidelines, 2015. Collection method: clinical testing. Allele origin: germline.

All of Us Research Program, National Institutes of Health
Classification: Uncertain significance for Classic or attenuated familial adenomatous polyposis. Last evaluated: 2024-04-25. Review status: criteria provided, single submitter. Criteria: ACMG Guidelines, 2015. Collection method: clinical testing. Allele origin: germline. Inheritance: Autosomal dominant inheritance. Observed: 1 variant allele, 1 heterozygote.
Comment: This missense variant replaces leucine with proline at codon 2493 of the APC protein. Computational prediction is inconclusive regarding the impact of this variant on protein structure and function (internally defined REVEL score threshold 0.5 < inconclusive < 0.7, PMID: 27666373). To our knowledge, functional studies have not been reported for this variant. This variant has not been reported in individuals affected with hereditary cancer in the literature. This variant has been identified in 4/251300 chromosomes in the general population by the Genome Aggregation Database (gnomAD). The available evidence is insufficient to determine the role of this variant in disease conclusively. Therefore, this variant is classified as a Variant of Uncertain Significance.

This study involves interpretation of variants in research participants for the purpose of population health screening. Participant phenotype was not available at the time of variant classification. Additional details can be found in publication PMID: 35346344, PMCID: PMC8962531

Color Diagnostics, LLC DBA Color Health
Classification: Uncertain significance for Hereditary cancer-predisposing syndrome. Last evaluated: 2024-04-10. Review status: criteria provided, single submitter. Criteria: ACMG Guidelines, 2015. Collection method: clinical testing. Allele origin: germline.
Comment: This missense variant replaces leucine with proline at codon 2493 of the APC protein. Computational prediction is inconclusive regarding the impact of this variant on protein structure and function (internally defined REVEL score threshold 0.5 < inconclusive < 0.7, PMID: 27666373). To our knowledge, functional studies have not been reported for this variant. This variant has been identified in an individual affected with colorectal cancer (PMID: 28944238). This variant has been identified in 4/251300 chromosomes in the general population by the Genome Aggregation Database (gnomAD). The available evidence is insufficient to determine the role of this variant in disease conclusively. Therefore, this variant is classified as a Variant of Uncertain Significance.

Baylor Genetics
Classification: Uncertain significance for Familial adenomatous polyposis 1. Last evaluated: 2023-07-03. Review status: criteria provided, single submitter. Criteria: ACMG Guidelines, 2015. Collection method: clinical testing. Allele origin: unknown.

GeneDx
Classification: Uncertain significance. Last evaluated: 2022-12-21. Review status: criteria provided, single submitter. Criteria: GeneDx Variant Classification Process June 2021. Collection method: clinical testing. Allele origin: germline. Affected: yes.
Comment: Not observed at significant frequency in large population cohorts (gnomAD); In silico analysis supports that this missense variant does not alter protein structure/function; Observed in an individual with colorectal cancer (DeRycke et al., 2017); This variant is associated with the following publications: (PMID: 27882345, 28944238)

Ambry Genetics
Classification: Likely benign for Hereditary cancer-predisposing syndrome. Last evaluated: 2021-07-14. Review status: criteria provided, single submitter. Criteria: Ambry Variant Classification Scheme 2023. Collection method: clinical testing. Allele origin: germline.

Women's Health and Genetics/Laboratory Corporation of America, LabCorp
Classification: Uncertain significance. Last evaluated: 2018-06-08. Review status: criteria provided, single submitter. Criteria: LabCorp Variant Classification Summary - May 2015. Collection method: clinical testing. Allele origin: germline.
Comment: Variant summary: APC c.7478T>C (p.Leu2493Pro) results in a non-conservative amino acid change located in the Adenomatous polyposis coli protein basic domain of the encoded protein sequence. Four of five in-silico tools predict a damaging effect of the variant on protein function. The variant allele was found at a frequency of 2.5e-05 in 121376 control chromosomes. The available data on variant occurrences in the general population are insufficient to allow any conclusion about variant significance. To our knowledge, no occurrence of c.7478T>C in individuals affected with Familial Adenomatous Polyposis and no experimental evidence demonstrating its impact on protein function have been reported. Three clinical diagnostic laboratories have submitted clinical-significance assessments for this variant to ClinVar after 2014 without evidence for independent evaluation. All laboratories classified the variant as uncertain significance. Based on the evidence outlined above, the variant was classified as uncertain significance.

Literature cited by the submitters: PubMed 35430768 (cited by Labcorp Genetics (formerly Invitae), Labcorp); PubMed 37937776 (cited by Labcorp Genetics (formerly Invitae), Labcorp); PubMed 28944238 (cited by Color Diagnostics, LLC DBA Color Health).

NM_000038.6(APC):c.7478T>C (p.Leu2493Pro)

Gene: APC (APC regulator of Wnt signaling pathway; plus strand). Cytogenetic location: 5q22.2.
Variant type: single nucleotide variant.
Coding change: c.7478T>C on transcript NM_000038.6 (MANE Select); coding-DNA position 7478, T replaced by C.
Protein change: p.Leu2493Pro; replaces leucine 2493 with proline.
Molecular consequence: missense variant.
Genome position (GRCh38, 1-based): chr5:112,843,072, T>C. VCF-style: chr5-112843072-T-C. GRCh37 (hg19) VCF-style: chr5-112178769-T-C.
Other names: c.7478T>C, p.Leu2493Pro (NM_001127510.3, NM_001354895.2); c.7424T>C, p.Leu2475Pro (NM_001127511.3); c.7532T>C, p.Leu2511Pro (NM_001354896.2); c.7508T>C, p.Leu2503Pro (NM_001354897.2); c.7403T>C, p.Leu2468Pro (NM_001354898.2); c.7394T>C, p.Leu2465Pro (NM_001354899.2); c.7355T>C, p.Leu2452Pro (NM_001354900.2); c.7301T>C, p.Leu2434Pro (NM_001354901.2); and 5 more; short protein forms L2475P, L2493P, L2210P, L2333P, L2392P, L2402P, L2465P, L2367P.
Identifiers: ClinVar variation 233218 (VCV000233218.32), dbSNP rs769889352, ClinGen allele CA048192.
Genomic context (GRCh38, chr5:112,843,072, plus strand): 5'-CTCCCACTAGGTCCCAGGCACAAACTCCAGTTTTAAGTCCTTCCCTTCCTGATATGTCTC[T>C]ATCCACACATTCGTCTGTTCAGGCTGGTGGATGGCGAAAACTCCCACCTAATCTCAGTCC-3'
Protein context (NP_000029.2, residues 2483-2503): VLSPSLPDMS[Leu2493Pro]STHSSVQAGG